The following is an entry in ClinVar:

NM_007272.3(CTRC):c.73A>G (p.Asn25Asp)

Gene: CTRC (chymotrypsin C; plus strand). Cytogenetic location: 1p36.21.
Variant type: single nucleotide variant.
Coding change: c.73A>G on transcript NM_007272.3 (MANE Select); coding-DNA position 73, A replaced by G.
Protein change: p.Asn25Asp; replaces asparagine 25 with aspartic acid.
Molecular consequence: missense variant.
Genome position (GRCh38, 1-based): chr1:15,440,332, A>G. VCF-style: chr1-15440332-A-G. GRCh37 (hg19) VCF-style: chr1-15766828-A-G.
Other names: short protein forms N25D.
Identifiers: ClinVar variation 2564422 (VCV002564422.2), dbSNP rs1212285395, ClinGen allele CA338564521.

ClinVar aggregate classification (germline): Uncertain significance (1 of 4 stars; one submission).

Conditions:
Hereditary pancreatitis (PCTT). Also called: Hereditary chronic pancreatitis; PRSS1-Related Hereditary Pancreatitis. Identifiers: Orphanet 676, MedGen C0238339, MONDO:0008185, OMIM 167800.

Submission:

Ambry Genetics
Classification: Uncertain significance for Hereditary pancreatitis. Last evaluated: 2023-03-18. Review status: criteria provided, single submitter. Criteria: Ambry Variant Classification Scheme 2023. Collection method: clinical testing. Allele origin: germline.
Comment: The p.N25D variant (also known as c.73A>G), located in coding exon 2 of the CTRC gene, results from an A to G substitution at nucleotide position 73. The asparagine at codon 25 is replaced by aspartic acid, an amino acid with highly similar properties. This amino acid position is conserved. In addition, this alteration is predicted to be tolerated by in silico analysis. Since supporting evidence is limited at this time, the clinical significance of this alteration remains unclear.